The following is an entry in ClinVar:

ClinVar aggregate classification (germline): Uncertain significance (1 of 4 stars; one submission).

Conditions:
Osteogenesis imperfecta type I (OI1). Also called: Classic Non-deforming Osteogenesis Imperfecta with Blue Sclerae; OI, TYPE I; OSTEOGENESIS IMPERFECTA TARDA; OSTEOGENESIS IMPERFECTA WITH BLUE SCLERAE; Osteogenesis imperfecta type 1; Lobstein's Disease. Identifiers: Orphanet 216796, Orphanet 666, MedGen C0023931, MONDO:0008146, OMIM 166200. Disease mechanism: loss of function.

Submission:

Labcorp Genetics (formerly Invitae), Labcorp
Classification: Uncertain significance for Osteogenesis imperfecta type I. Last evaluated: 2024-11-13. Review status: criteria provided, single submitter. Criteria: Invitae Variant Classification Sherloc (09022015). Collection method: clinical testing. Allele origin: germline.
Comment: This sequence change replaces proline, which is neutral and non-polar, with threonine, which is neutral and polar, at codon 1164 of the COL1A1 protein (p.Pro1164Thr). This variant is not present in population databases (gnomAD no frequency). This variant has not been reported in the literature in individuals affected with COL1A1-related conditions. ClinVar contains an entry for this variant (Variation ID: 2771374). Invitae Evidence Modeling of protein sequence and biophysical properties (such as structural, functional, and spatial information, amino acid conservation, physicochemical variation, residue mobility, and thermodynamic stability) indicates that this missense variant is expected to disrupt COL1A1 protein function with a positive predictive value of 95%. In summary, the available evidence is currently insufficient to determine the role of this variant in disease. Therefore, it has been classified as a Variant of Uncertain Significance.

NM_000088.4(COL1A1):c.3490C>A (p.Pro1164Thr)

Gene: COL1A1 (collagen type I alpha 1 chain; minus strand). Cytogenetic location: 17q21.33.
Variant type: single nucleotide variant.
Coding change: c.3490C>A on transcript NM_000088.4 (MANE Select); coding-DNA position 3490, C replaced by A.
Protein change: p.Pro1164Thr; replaces proline 1164 with threonine.
Molecular consequence: missense variant.
Genome position (GRCh38, 1-based): chr17:50,187,056, G>T on the plus strand (C>A on the coding strand, the complement: COL1A1 is on the minus strand). VCF-style: chr17-50187056-G-T. GRCh37 (hg19) VCF-style: chr17-48264417-G-T.
Other names: short protein forms P1164T.
Identifiers: ClinVar variation 2771374 (VCV002771374.3), dbSNP rs2509166668, ClinGen allele CA400198701.